The following is an entry in ClinVar:

ClinVar aggregate classification (germline): Conflicting classifications of pathogenicity. Review status: criteria provided, conflicting classifications (1 of 4 stars). 2 submissions from 2 submitters: Uncertain significance (1); Likely benign (1). Last evaluated 2025-10-03.

Conditions:
Agammaglobulinemia 5, autosomal dominant (AGM5). Also called: AGAMMAGLOBULINEMIA, AUTOSOMAL DOMINANT, DUE TO LRRC8A DEFECT. Identifiers: MedGen C3150753, MONDO:0013290, OMIM 613506.

Allele frequency attached by ClinVar (database versions not stated): gnomAD exomes 0.00001 and 0.00002; gnomAD 0.00002; TOPMed 0.00002; ExAC 0.00004; ESP Exome Variant Server 0.00008.
gnomAD v4.1: 21 of 1,613,560 alleles (0.0013%); highest among the groups gnomAD compares: East Asian, 0.0022%; no homozygotes.

Submissions (2):

Labcorp Genetics (formerly Invitae), Labcorp
Classification: Uncertain significance. Last evaluated: 2025-10-03. Review status: criteria provided, single submitter. Criteria: Invitae Variant Classification Sherloc (09022015). Collection method: clinical testing. Allele origin: germline.
Comment: This sequence change replaces serine, which is neutral and polar, with leucine, which is neutral and non-polar, at codon 68 of the LRRC8A protein (p.Ser68Leu). This variant is present in population databases (rs147311433, gnomAD 0.006%). This variant has not been reported in the literature in individuals affected with LRRC8A-related conditions. ClinVar contains an entry for this variant (Variation ID: 801365). An algorithm developed to predict the effect of missense changes on protein structure and function (PolyPhen-2) suggests that this variant is likely to be tolerated. In summary, the available evidence is currently insufficient to determine the role of this variant in disease. Therefore, it has been classified as a Variant of Uncertain Significance.

Mendelics
Classification: Likely benign for Agammaglobulinemia 5, autosomal dominant. Last evaluated: 2019-05-28. Review status: criteria provided, single submitter. Criteria: Mendelics Assertion Criteria 2017. Collection method: clinical testing. Allele origin: unknown.

NM_019594.4(LRRC8A):c.203C>T (p.Ser68Leu)

Gene: LRRC8A (leucine rich repeat containing 8 VRAC subunit A; plus strand). Cytogenetic location: 9q34.11.
Variant type: single nucleotide variant.
Coding change: c.203C>T on transcript NM_019594.4 (MANE Select); coding-DNA position 203, C replaced by T.
Protein change: p.Ser68Leu; replaces serine 68 with leucine.
Molecular consequence: missense variant.
Genome position (GRCh38, 1-based): chr9:128,907,367, C>T. VCF-style: chr9-128907367-C-T. GRCh37 (hg19) VCF-style: chr9-131669646-C-T.
Other names: c.203C>T, p.Ser68Leu (NM_001127244.2, NM_001127245.2); short protein forms S68L.
Identifiers: ClinVar variation 801365 (VCV000801365.5), dbSNP rs147311433, ClinGen allele CA5270673.